The following is an entry in ClinVar:

NM_031935.3(HMCN1):c.12178G>A (p.Ala4060Thr)

Gene: HMCN1 (hemicentin 1; plus strand). Cytogenetic location: 1q31.1.
Variant type: single nucleotide variant.
Coding change: c.12178G>A on transcript NM_031935.3 (MANE Select); coding-DNA position 12178, G replaced by A.
Protein change: p.Ala4060Thr; replaces alanine 4060 with threonine.
Molecular consequence: missense variant.
Genome position (GRCh38, 1-based): chr1:186,120,094, G>A. VCF-style: chr1-186120094-G-A. GRCh37 (hg19) VCF-style: chr1-186089226-G-A.
Other names: short protein forms A4060T.
Identifiers: ClinVar variation 1911463 (VCV001911463.5), dbSNP rs2528027801, ClinGen allele CA343949221.
Genomic context (GRCh38, chr1:186,120,094, plus strand): 5'-AGTGGCGGCTTACAGATCTCCAGAGCTGTCCGAGAGGATGCTGGCACTTACATGTGTGTG[G>A]CCCAGAACCCGGCTGGTACAGCCTTGGGCAAAATCAAGTTAAATGTCCAAGGTACCTAAA-3'
Protein context (NP_114141.2, residues 4050-4070): REDAGTYMCV[Ala4060Thr]QNPAGTALGK

ClinVar aggregate classification (germline): Uncertain significance (1 of 4 stars; one submission).

Submission:

Labcorp Genetics (formerly Invitae), Labcorp
Classification: Uncertain significance. Last evaluated: 2022-09-13. Review status: criteria provided, single submitter. Criteria: Invitae Variant Classification Sherloc (09022015). Collection method: clinical testing. Allele origin: germline.
Comment: This sequence change replaces alanine, which is neutral and non-polar, with threonine, which is neutral and polar, at codon 4060 of the HMCN1 protein (p.Ala4060Thr). This variant is not present in population databases (gnomAD no frequency). This variant has not been reported in the literature in individuals affected with HMCN1-related conditions. Algorithms developed to predict the effect of missense changes on protein structure and function (SIFT, PolyPhen-2, Align-GVGD) all suggest that this variant is likely to be disruptive. In summary, the available evidence is currently insufficient to determine the role of this variant in disease. Therefore, it has been classified as a Variant of Uncertain Significance.